The following is an entry in ClinVar:

ClinVar aggregate classification (germline): Uncertain significance. Review status: criteria provided, single submitter (1 of 4 stars). 2 submissions from 2 submitters: Uncertain significance (1). 1 of the submissions does not count toward it. Last evaluated 2025-04-04.

Conditions:
NCOA1-related disorder. Also called: NCOA1-related condition.

Allele frequency attached by ClinVar (database versions not stated): ESP Exome Variant Server 0.00008; gnomAD 0.00009; ExAC 0.00001.
gnomAD v4.1: 30 of 1,614,022 alleles (0.0019%); highest among the groups gnomAD compares: African/African-American, 0.023%; no homozygotes.

Submissions (2):

Ambry Genetics
Classification: Uncertain significance. Last evaluated: 2025-04-04. Review status: criteria provided, single submitter. Criteria: Ambry Variant Classification Scheme 2023. Collection method: clinical testing. Allele origin: germline.

PreventionGenetics, part of Exact Sciences
Classification: Uncertain significance for NCOA1-related condition. Last evaluated: 2024-09-11. Review status: no assertion criteria provided. Collection method: clinical testing. Allele origin: germline. Not counted in ClinVar's aggregate classification.
Comment: The NCOA1 c.1360G>A variant is predicted to result in the amino acid substitution p.Ala454Thr. To our knowledge, this variant has not been reported in the literature. This variant is reported in 0.020% of alleles in individuals of African descent in gnomAD. At this time, the clinical significance of this variant is uncertain due to the absence of conclusive functional and genetic evidence.

NM_003743.5(NCOA1):c.1360G>A (p.Ala454Thr)

Gene: NCOA1 (nuclear receptor coactivator 1; plus strand). Cytogenetic location: 2p23.3.
Variant type: single nucleotide variant.
Coding change: c.1360G>A on transcript NM_003743.5 (MANE Select); coding-DNA position 1360, G replaced by A.
Protein change: p.Ala454Thr; replaces alanine 454 with threonine.
Molecular consequence: missense variant.
Genome position (GRCh38, 1-based): chr2:24,706,830, G>A. VCF-style: chr2-24706830-G-A. GRCh37 (hg19) VCF-style: chr2-24929699-G-A.
Other names: c.1360G>A, p.Ala454Thr (NM_001362950.1, NM_001362952.1, NM_001362954.1 and 3 more transcripts); short protein forms A454T.
Identifiers: ClinVar variation 3035112 (VCV003035112.3), dbSNP rs375543773, ClinGen allele CA1552241.
Genomic context (GRCh38, chr2:24,706,830, plus strand): 5'-TCTAGCAACAGCCAAGGAAGTTTCGGATGCTCACCCGGAAGTCAGATTGTAGCCAATGTT[G>A]CCTTAAACCAAGGACAGGCCAGTTCACAGAGCAGTAATCCCTCTTTAAACCTCAATAATT-3'
Protein context (NP_003734.3, residues 444-464): SPGSQIVANV[Ala454Thr]LNQGQASSQS